The following is an entry in ClinVar:

NM_001009944.3(PKD1):c.11454del (p.Tyr3819fs)

Genes: PKD1 (polycystin 1, transient receptor potential channel interacting; minus strand), PKD1-AS1 (PKD1 antisense RNA 1; plus strand). Cytogenetic location: 16p13.3.
Variant type: Deletion.
Coding change: c.11454del on transcript NM_001009944.3 (MANE Select); coding-DNA position 11454, one base deleted (C; older notation c.11454delC).
Protein change: p.Tyr3819fs; shifts the reading frame from tyrosine 3819.
Molecular consequence: frameshift variant.
Genome position (GRCh38, 1-based): chr16:2,091,864, G deleted on the plus strand (C on the coding strand, the reverse complement: PKD1 is on the minus strand). VCF-style (leftmost placement, unchanged base first): chr16-2091863-AG-A. GRCh37 (hg19) VCF-style: chr16-2141864-AG-A.
Other names: c.11451del, p.Tyr3818fs (NM_000296.4); c.11454del (NM_001009944.2); c.11454delC (NM_001009944.2, NM_001009944.3); short protein forms Y3818fs, Y3819fs.
Identifiers: ClinVar variation 873401 (VCV000873401.3), dbSNP rs2091600536, ClinGen allele CA1139664270.

ClinVar aggregate classification (germline): Pathogenic. Review status: criteria provided, multiple submitters, no conflicts (2 of 4 stars). 3 submissions from 3 submitters: Pathogenic (3). Last evaluated 2025-04-11.

Conditions:
PKD1-related disorder. Also called: PKD1-related condition.
Polycystic kidney disease, adult type (PKD1). Also called: POLYCYSTIC KIDNEY DISEASE 1 WITH OR WITHOUT POLYCYSTIC LIVER DISEASE; Polycystic Kidney Disease 1, Autosomal Dominant; Polycystic kidney disease 1; Polycystic kidney disease 1, severe; Polycystic Kidney, Autosomal Dominant; POLYCYSTIC KIDNEY DISEASE, ADULT, TYPE I. Identifiers: MedGen C3149841, MONDO:0008263, OMIM 173900.

Submissions (3):

GeneDx
Classification: Pathogenic. Last evaluated: 2025-04-11. Review status: criteria provided, single submitter. Criteria: GeneDx Variant Classification Process June 2021. Collection method: clinical testing. Allele origin: germline. Affected: yes.
Comment: Frameshift variant predicted to result in protein truncation or nonsense mediated decay in a gene for which loss of function is a known mechanism of disease; Not observed at significant frequency in large population cohorts (gnomAD); This variant is associated with the following publications: (PMID: 30816285)

PreventionGenetics, part of Exact Sciences
Classification: Pathogenic for PKD1-related condition. Last evaluated: 2022-11-15. Review status: criteria provided, single submitter. Criteria: ACMG Guidelines, 2015. Collection method: clinical testing. Allele origin: germline.
Comment: The PKD1 c.11454delC variant is predicted to result in a frameshift and premature protein termination (p.Tyr3819Thrfs*7). This variant has been reported in an individual with autosomal dominant polycystic kidney disease (Supplementary Table 2, Pandita et al 2019. PubMed ID: 30816285). This variant has not been reported in a large population database, indicating this variant is rare. Frameshift variants in PKD1 are expected to be pathogenic. This variant is interpreted as pathogenic.

Cavalleri Lab, Royal College of Surgeons in Ireland
Classification: Pathogenic for Polycystic kidney disease, adult type. Last evaluated: 2020-02-05. Review status: criteria provided, single submitter. Criteria: ACMG Guidelines, 2015. Collection method: research. Allele origin: unknown. Inheritance: Autosomal dominant inheritance. Affected: yes.
Comment: PVS1, PM2, PP4